The following is an entry in ClinVar:

ClinVar aggregate classification (germline): Uncertain significance (1 of 4 stars; one submission).

Conditions:
Catecholaminergic polymorphic ventricular tachycardia 1. Also called: VENTRICULAR TACHYCARDIA, STRESS-INDUCED POLYMORPHIC 1; RYR2-Related Catecholaminergic Polymorphic Ventricular Tachycardia; VENTRICULAR TACHYCARDIA, CATECHOLAMINERGIC POLYMORPHIC, 1, WITH OR WITHOUT ATRIAL DYSFUNCTION AND/OR DILATED CARDIOMYOPATHY. Identifiers: Orphanet 3286, MedGen C1631597, MONDO:0011484, OMIM 604772.

Submission:

Labcorp Genetics (formerly Invitae), Labcorp
Classification: Uncertain significance for Catecholaminergic polymorphic ventricular tachycardia 1. Last evaluated: 2022-08-30. Review status: criteria provided, single submitter. Criteria: Invitae Variant Classification Sherloc (09022015). Collection method: clinical testing. Allele origin: germline.
Comment: This variant has not been reported in the literature in individuals affected with RYR2-related conditions. In summary, the available evidence is currently insufficient to determine the role of this variant in disease. Therefore, it has been classified as a Variant of Uncertain Significance. Advanced modeling of protein sequence and biophysical properties (such as structural, functional, and spatial information, amino acid conservation, physicochemical variation, residue mobility, and thermodynamic stability) performed at Invitae indicates that this missense variant is not expected to disrupt RYR2 protein function. This variant is not present in population databases (gnomAD no frequency). This sequence change replaces lysine, which is basic and polar, with arginine, which is basic and polar, at codon 1961 of the RYR2 protein (p.Lys1961Arg).

NM_001035.3(RYR2):c.5882A>G (p.Lys1961Arg)

Gene: RYR2 (ryanodine receptor 2; plus strand). Cytogenetic location: 1q43.
Variant type: single nucleotide variant.
Coding change: c.5882A>G on transcript NM_001035.3 (MANE Select); coding-DNA position 5882, A replaced by G.
Protein change: p.Lys1961Arg; replaces lysine 1961 with arginine.
Molecular consequence: missense variant.
Genome position (GRCh38, 1-based): chr1:237,617,452, A>G. VCF-style: chr1-237617452-A-G. GRCh37 (hg19) VCF-style: chr1-237780752-A-G.
Other names: short protein forms K1961R.
Identifiers: ClinVar variation 2166079 (VCV002166079.4), dbSNP rs772508255, ClinGen allele CA345407370.